The following is an entry in ClinVar:

NM_024426.6(WT1):c.397C>A (p.Pro133Thr)

Genes: WT1 (WT1 transcription factor; minus strand), LOC107982234 (WT1/WT1-AS bi-directional promoter region; plus strand). Cytogenetic location: 11p13.
Variant type: single nucleotide variant.
Coding change: c.397C>A on transcript NM_024426.6 (MANE Select); coding-DNA position 397, C replaced by A.
Protein change: p.Pro133Thr; replaces proline 133 with threonine.
Molecular consequence: missense variant. On other transcripts: non-coding transcript variant (1).
Genome position (GRCh38, 1-based): chr11:32,434,964, G>T on the plus strand (C>A on the coding strand, the complement: WT1 is on the minus strand). VCF-style: chr11-32434964-G-T. GRCh37 (hg19) VCF-style: chr11-32456510-G-T.
Other names: c.397C>A, p.Pro133Thr (NM_000378.6, NM_024424.5); short protein forms P133T.
Identifiers: ClinVar variation 566443 (VCV000566443.16), dbSNP rs1202603651, ClinGen allele CA379965783.
Genomic context (GRCh38, chr11:32,434,964, plus strand): 5'-CGCCCCAGCTCGGCTCCTGTTTGATGAAGGAGTGAGGCGGCGGCGGCGGGGGTGGCGGCG[G>T]AGCCGGTGGCGGCGCGGGGCCGCCCAACGACCCGTAAGCCGAAGCGCCCGGGGGCGCAAA-3'
Protein context (NP_077744.4, residues 123-143): SLGGPAPPPA[Pro133Thr]PPPPPPPPHS

ClinVar aggregate classification (germline): Uncertain significance. Review status: criteria provided, multiple submitters, no conflicts (2 of 4 stars). 5 submissions from 5 submitters: Uncertain significance (5). Last evaluated 2025-01-14.

Conditions:
Inborn genetic diseases. Identifiers: MedGen C0950123, MeSH D030342.
Wilms tumor 1 (WT1). Also called: Wilms tumor, somatic. Identifiers: Orphanet 654, MedGen CN033288, MONDO:0008679, OMIM 194070.
11p partial monosomy syndrome (WAGR). Also called: WAGR Complex; WAGR syndrome; CHROMOSOME 11p13 DELETION SYNDROME; WAGR Spectrum Disorder. Identifiers: Orphanet 893, MedGen C0206115, MONDO:0008681, OMIM 194072.
Frasier syndrome. Identifiers: Orphanet 347, MedGen C0950122, MeSH D052159, MONDO:0007635, OMIM 136680.
Drash syndrome (DDS). Also called: NEPHROPATHY, WILMS TUMOR, AND GENITAL ANOMALIES; WILMS TUMOR AND PSEUDO- OR TRUE HERMAPHRODITISM. Identifiers: Orphanet 220, MedGen C0950121, MONDO:0008682, OMIM 194080.

Allele frequency attached by ClinVar (database versions not stated): gnomAD 0.00001 and 0.00003; gnomAD exomes 0.00001; TOPMed 0.00002.
gnomAD v4.1: 10 of 1,548,892 alleles (0.00065%); highest among the groups gnomAD compares: Non-Finnish European, 0.00078%; no homozygotes.

Submissions (5):

Labcorp Genetics (formerly Invitae), Labcorp
Classification: Uncertain significance for Wilms tumor 1; Drash syndrome; 11p partial monosomy syndrome; Frasier syndrome. Last evaluated: 2025-01-14. Review status: criteria provided, single submitter. Criteria: Invitae Variant Classification Sherloc (09022015). Collection method: clinical testing. Allele origin: germline.
Comment: This sequence change replaces proline, which is neutral and non-polar, with threonine, which is neutral and polar, at codon 128 of the WT1 protein (p.Pro128Thr). This variant is present in population databases (no rsID available, gnomAD 0.007%). This variant has not been reported in the literature in individuals affected with WT1-related conditions. ClinVar contains an entry for this variant (Variation ID: 566443). Invitae Evidence Modeling of protein sequence and biophysical properties (such as structural, functional, and spatial information, amino acid conservation, physicochemical variation, residue mobility, and thermodynamic stability) has been performed for this missense variant. However, the output from this modeling did not meet the statistical confidence thresholds required to predict the impact of this variant on WT1 protein function. In summary, the available evidence is currently insufficient to determine the role of this variant in disease. Therefore, it has been classified as a Variant of Uncertain Significance.

Ambry Genetics
Classification: Uncertain significance for Inborn genetic diseases. Last evaluated: 2025-01-09. Review status: criteria provided, single submitter. Criteria: Ambry Variant Classification Scheme 2023. Collection method: clinical testing. Allele origin: germline.
Comment: The p.P128T variant (also known as c.382C>A), located in coding exon 1 of the WT1 gene, results from a C to A substitution at nucleotide position 382. The proline at codon 128 is replaced by threonine, an amino acid with highly similar properties. This amino acid position is conserved. In addition, this alteration is predicted to be tolerated by in silico analysis. Based on the available evidence, the clinical significance of this variant remains unclear.

Baylor Genetics
Classification: Uncertain significance for Drash syndrome. Last evaluated: 2024-03-19. Review status: criteria provided, single submitter. Criteria: ACMG Guidelines, 2015. Collection method: clinical testing. Allele origin: unknown.

GeneDx
Classification: Uncertain significance. Last evaluated: 2023-05-25. Review status: criteria provided, single submitter. Criteria: GeneDx Variant Classification Process June 2021. Collection method: clinical testing. Allele origin: germline. Affected: yes.
Comment: Not observed at significant frequency in large population cohorts (gnomAD); In silico analysis supports that this missense variant does not alter protein structure/function; Has not been previously published as pathogenic or benign to our knowledge; This variant is associated with the following publications: (PMID: 8486616)

All of Us Research Program, National Institutes of Health
Classification: Uncertain significance for Wilms tumor 1. Last evaluated: 2023-05-16. Review status: criteria provided, single submitter. Criteria: ACMG Guidelines, 2015. Collection method: clinical testing. Allele origin: germline. Inheritance: Autosomal dominant inheritance. Observed: 2 variant alleles, 2 heterozygotes.
Comment: This missense variant replaces profile with threonine at codon 382 in the WT1 protein. Computational prediction suggests that this variant may not impact protein structure and function (internally defined REVEL score threshold <= 0.5, PMID: 27666373). To our knowledge, functional studies have not been reported for this variant. This variant has not been reported in individuals affected with WT1-related disorders in the literature. This variant has been identified in 1/31186 chromosomes in the general population by the Genome Aggregation Database (gnomAD). The available evidence is insufficient to determine the role of this variant in disease conclusively. Therefore, this variant is classified as a Variant of Uncertain Significance.

This study involves interpretation of variants in research participants for the purpose of population health screening. Participant phenotype was not available at the time of variant classification. Additional details can be found in publication PMID: 35346344, PMCID: PMC8962531